The following is an entry in ClinVar:

ClinVar aggregate classification (germline): Uncertain significance (1 of 4 stars; one submission).

Conditions:
Dilated cardiomyopathy 1KK (CMD1KK). Identifiers: Orphanet 154, Orphanet 75249, MedGen C3714995, MONDO:0014100, OMIM 615248.

Allele frequency attached by ClinVar (database versions not stated): gnomAD exomes below 0.00001; TOPMed below 0.00001; gnomAD 0.00001.
gnomAD v4.1: 5 of 1,613,980 alleles (0.00031%); highest among the groups gnomAD compares: Non-Finnish European, 0.00042%; no homozygotes.

Submission:

Labcorp Genetics (formerly Invitae), Labcorp
Classification: Uncertain significance for Dilated cardiomyopathy 1KK. Last evaluated: 2019-04-20. Review status: criteria provided, single submitter. Criteria: Invitae Variant Classification Sherloc (09022015). Collection method: clinical testing. Allele origin: germline.
Comment: In summary, the available evidence is currently insufficient to determine the role of this variant in disease. Therefore, it has been classified as a Variant of Uncertain Significance. This sequence change replaces arginine with lysine at codon 756 of the MYPN protein (p.Arg756Lys). The arginine residue is moderately conserved and there is a small physicochemical difference between arginine and lysine. This variant is not present in population databases (ExAC no frequency). This variant has not been reported in the literature in individuals with MYPN-related conditions. Algorithms developed to predict the effect of missense changes on protein structure and function are either unavailable or do not agree on the potential impact of this missense change (SIFT: "Tolerated"; PolyPhen-2: "Possibly Damaging"; Align-GVGD: "Class C0").

NM_032578.4(MYPN):c.2267G>A (p.Arg756Lys)

Gene: MYPN (myopalladin; plus strand). Cytogenetic location: 10q21.3.
Variant type: single nucleotide variant.
Coding change: c.2267G>A on transcript NM_032578.4 (MANE Select); coding-DNA position 2267, G replaced by A.
Protein change: p.Arg756Lys; replaces arginine 756 with lysine.
Molecular consequence: missense variant. On other transcripts: non-coding transcript variant (2).
Genome position (GRCh38, 1-based): chr10:68,174,359, G>A. VCF-style: chr10-68174359-G-A. GRCh37 (hg19) VCF-style: chr10-69934116-G-A.
Other names: c.2267G>A, p.Arg756Lys (NM_001256267.2); c.1385G>A, p.Arg462Lys (NM_001256268.2); short protein forms R462K, R756K.
Identifiers: ClinVar variation 951925 (VCV000951925.9), dbSNP rs1218456286, ClinGen allele CA376845848.